The following is an entry in ClinVar:

NM_005428.4(VAV1):c.782C>G (p.Pro261Arg)

Gene: VAV1 (vav guanine nucleotide exchange factor 1; plus strand). Cytogenetic location: 19p13.3.
Variant type: single nucleotide variant.
Coding change: c.782C>G on transcript NM_005428.4 (MANE Select); coding-DNA position 782, C replaced by G.
Protein change: p.Pro261Arg; replaces proline 261 with arginine.
Molecular consequence: missense variant.
Genome position (GRCh38, 1-based): chr19:6,825,361, C>G. VCF-style: chr19-6825361-C-G. GRCh37 (hg19) VCF-style: chr19-6825372-C-G.
Other names: c.782C>G, p.Pro261Arg (NM_001258206.2); c.686C>G, p.Pro229Arg (NM_001258207.2); short protein forms P229R, P261R.
Identifiers: ClinVar variation 3609840 (VCV003609840.2).
Genomic context (GRCh38, chr19:6,825,361, plus strand): 5'-AGGACCTGCTTCGTGTTCATACTCACTTCCTAAAGGAGATGAAGGAAGCCCTGGGCACCC[C>G]TGGCGCAGCCAATCTCTACCAGGTCTTCATCAAATACAAGGAGAGGTGAGACCCAGCTGG-3'
Protein context (NP_005419.2, residues 251-271): LKEMKEALGT[Pro261Arg]GAANLYQVFI

ClinVar aggregate classification (germline): Uncertain significance (1 of 4 stars; one submission).

gnomAD v4.1: 2 of 1,613,888 alleles (0.00012%); highest among the groups gnomAD compares: Non-Finnish European, 0.00017%; no homozygotes.

Submission:

Labcorp Genetics (formerly Invitae), Labcorp
Classification: Uncertain significance. Last evaluated: 2024-10-22. Review status: criteria provided, single submitter. Criteria: Invitae Variant Classification Sherloc (09022015). Collection method: clinical testing. Allele origin: germline.
Comment: This sequence change replaces proline, which is neutral and non-polar, with arginine, which is basic and polar, at codon 261 of the VAV1 protein (p.Pro261Arg). This variant is present in population databases (rs749155012, gnomAD 0.0009%). This variant has not been reported in the literature in individuals affected with VAV1-related conditions. An algorithm developed to predict the effect of missense changes on protein structure and function (PolyPhen-2) suggests that this variant is likely to be tolerated. In summary, the available evidence is currently insufficient to determine the role of this variant in disease. Therefore, it has been classified as a Variant of Uncertain Significance.